The following is an entry in ClinVar:

NM_001042492.3(NF1):c.1805A>T (p.Glu602Val)

Gene: NF1 (neurofibromin 1; plus strand). Cytogenetic location: 17q11.2.
Variant type: single nucleotide variant.
Coding change: c.1805A>T on transcript NM_001042492.3 (MANE Select); coding-DNA position 1805, A replaced by T.
Protein change: p.Glu602Val; replaces glutamic acid 602 with valine.
Molecular consequence: missense variant.
Genome position (GRCh38, 1-based): chr17:31,223,527, A>T. VCF-style: chr17-31223527-A-T. GRCh37 (hg19) VCF-style: chr17-29550545-A-T.
Other names: c.1805A>T, p.Glu602Val (NM_000267.4); short protein forms E602V.
Identifiers: ClinVar variation 1054174 (VCV001054174.13), dbSNP rs1597708772, ClinGen allele CA399004438.

ClinVar aggregate classification (germline): Uncertain significance. Review status: criteria provided, multiple submitters, no conflicts (2 of 4 stars). 5 submissions from 5 submitters: Uncertain significance (5). Last evaluated 2025-12-05.

Conditions:
Hereditary cancer-predisposing syndrome. Also called: Neoplastic Syndromes, Hereditary; Tumor predisposition; Hereditary Cancer Syndrome; Hereditary neoplastic syndrome. Identifiers: Orphanet 140162, MedGen C0027672, MeSH D009386, MONDO:0015356.
Cardiovascular phenotype. Identifiers: MedGen CN230736.
Neurofibromatosis, type 1 (NF1). Also called: NEUROFIBROMATOSIS, TYPE I, SOMATIC; Neurofibromatosis, type I; Peripheral type neurofibromatosis; VON RECKLINGHAUSEN DISEASE. Identifiers: Orphanet 636, MedGen C0027831, MONDO:0018975, OMIM 162200. Disease mechanism: loss of function.

Submissions (5):

Dasa
Classification: Uncertain significance. Last evaluated: 2025-12-05. Review status: criteria provided, single submitter. Criteria: DASA Assertion Criteria. Collection method: clinical testing. Allele origin: germline.
Comment: NM_001042492.3(NF1):c.1805A>T (p.Glu602Val) is a missense variant that results in the substitution of glutamic acid with valine. This variant is absent from population databases. Computational prediction algorithms are consistent with a deleterious effect. The currently available literature and clinical evidence are not sufficient to establish a definitive association between this variant and the reported condition. Therefore, this variant is classified as a variant of uncertain significance.

Ambry Genetics
Classification: Uncertain significance for Cardiovascular phenotype; Hereditary cancer-predisposing syndrome. Last evaluated: 2025-09-09. Review status: criteria provided, single submitter. Criteria: Ambry Variant Classification Scheme 2023. Collection method: clinical testing. Allele origin: germline.
Comment: The p.E602V variant (also known as c.1805A>T), located in coding exon 16 of the NF1 gene, results from an A to T substitution at nucleotide position 1805. The glutamic acid at codon 602 is replaced by valine, an amino acid with dissimilar properties. This amino acid position is conserved. In addition, this alteration is predicted to be deleterious by in silico analysis. Based on the available evidence, the clinical significance of this variant remains unclear.

Labcorp Genetics (formerly Invitae), Labcorp
Classification: Uncertain significance for Neurofibromatosis, type 1. Last evaluated: 2023-09-24. Review status: criteria provided, single submitter. Criteria: Invitae Variant Classification Sherloc (09022015). Collection method: clinical testing. Allele origin: germline.
Comment: In summary, the available evidence is currently insufficient to determine the role of this variant in disease. Therefore, it has been classified as a Variant of Uncertain Significance. Algorithms developed to predict the effect of sequence changes on RNA splicing suggest that this variant may disrupt the consensus splice site. Advanced modeling of protein sequence and biophysical properties (such as structural, functional, and spatial information, amino acid conservation, physicochemical variation, residue mobility, and thermodynamic stability) performed at Invitae indicates that this missense variant is expected to disrupt NF1 protein function. ClinVar contains an entry for this variant (Variation ID: 1054174). This variant has not been reported in the literature in individuals affected with NF1-related conditions. This variant is not present in population databases (gnomAD no frequency). This sequence change replaces glutamic acid, which is acidic and polar, with valine, which is neutral and non-polar, at codon 602 of the NF1 protein (p.Glu602Val).

Genome-Nilou Lab
Classification: Uncertain significance for Neurofibromatosis, type 1. Last evaluated: 2022-03-15. Review status: criteria provided, single submitter. Criteria: ACMG Guidelines, 2015. Collection method: clinical testing. Allele origin: germline. Affected: no.

GeneDx
Classification: Uncertain significance. Last evaluated: 2021-01-27. Review status: criteria provided, single submitter. Criteria: GeneDx Variant Classification Process June 2021. Collection method: clinical testing. Allele origin: germline. Affected: yes.
Comment: Not observed in large population cohorts (Lek 2016); In silico analysis supports that this missense variant has a deleterious effect on protein structure/function; Has not been previously published as pathogenic or benign to our knowledge